The following is an entry in ClinVar:

ClinVar aggregate classification (germline): Uncertain significance (1 of 4 stars; one submission).

gnomAD v4.1: 1 of 1,612,716 alleles (0.000062%); highest among the groups gnomAD compares: Admixed American, 0.0017%; no homozygotes.

Submission:

Dasa
Classification: Uncertain significance. Last evaluated: 2026-02-24. Review status: criteria provided, single submitter. Criteria: DASA Assertion Criteria. Collection method: clinical testing. Allele origin: germline.
Comment: NM_001348716.2(KDM6B):c.2476T>C (p.Ser826Pro) is a missense variant that results in the substitution of serine with proline. This variant is rare in population databases. Computational prediction algorithms are consistent with a benign effect. The currently available literature and clinical evidence are not sufficient to establish a definitive association between this variant and the reported condition. Therefore, this variant is classified as a variant of uncertain significance.

NM_001348716.2(KDM6B):c.2476T>C (p.Ser826Pro)

Gene: KDM6B (lysine demethylase 6B; plus strand). Cytogenetic location: 17p13.1.
Variant type: single nucleotide variant.
Coding change: c.2476T>C on transcript NM_001348716.2 (MANE Select); coding-DNA position 2476, T replaced by C.
Protein change: p.Ser826Pro; replaces serine 826 with proline.
Molecular consequence: missense variant.
Genome position (GRCh38, 1-based): chr17:7,848,764, T>C. VCF-style: chr17-7848764-T-C. GRCh37 (hg19) VCF-style: chr17-7752082-T-C.
Other names: c.2476T>C, p.Ser826Pro (NM_001080424.2); short protein forms S826P.
Identifiers: ClinVar variation 4885966 (VCV004885966.2).